The following is an entry in ClinVar:

NM_173630.4(RTTN):c.719C>T (p.Ala240Val)

Gene: RTTN (rotatin; minus strand). Cytogenetic location: 18q22.2.
Variant type: single nucleotide variant.
Coding change: c.719C>T on transcript NM_173630.4 (MANE Select); coding-DNA position 719, C replaced by T.
Protein change: p.Ala240Val; replaces alanine 240 with valine.
Molecular consequence: missense variant. On other transcripts: 5 prime UTR variant (1).
Genome position (GRCh38, 1-based): chr18:70,196,623, G>A on the plus strand (C>T on the coding strand, the complement: RTTN is on the minus strand). VCF-style: chr18-70196623-G-A. GRCh37 (hg19) VCF-style: chr18-67863859-G-A.
Other names: c.-1835C>T (NM_001318520.2); c.719C>T (NM_173630.3); short protein forms A240V.
Identifiers: ClinVar variation 1429275 (VCV001429275.7), dbSNP rs201226318, ClinGen allele CA8996383.
Genomic context (GRCh38, chr18:70,196,623, plus strand): 5'-CACAGCTGCTGCAGGCAGGACACCGACTGTAATGCCAGGCGATGCTTTCCATCTCCAAAG[G>A]CCAGTTTCAACAGAGATAAAAGGCTCTGAAATCAAGAAGAGCCGTGAAAATTACTAAGGG-3'
Protein context (NP_775901.3, residues 230-250): VQSLLSLLKL[Ala240Val]FGDGKHRLAL

ClinVar aggregate classification (germline): Uncertain significance. Review status: criteria provided, multiple submitters, no conflicts (2 of 4 stars). 2 submissions from 2 submitters: Uncertain significance (2). Last evaluated 2025-09-02.

Conditions:
Inborn genetic diseases. Identifiers: MedGen C0950123, MeSH D030342.

Allele frequency attached by ClinVar (database versions not stated): gnomAD exomes 0.00004 and 0.00011; ExAC 0.00006; gnomAD 0.00016 and 0.00017; TOPMed 0.00022; ESP Exome Variant Server 0.00025; 1000 Genomes Project 30x 0.00031.

Submissions (2):

Labcorp Genetics (formerly Invitae), Labcorp
Classification: Uncertain significance. Last evaluated: 2025-09-02. Review status: criteria provided, single submitter. Criteria: Invitae Variant Classification Sherloc (09022015). Collection method: clinical testing. Allele origin: germline.
Comment: This sequence change replaces alanine, which is neutral and non-polar, with valine, which is neutral and non-polar, at codon 240 of the RTTN protein (p.Ala240Val). This variant is present in population databases (rs201226318, gnomAD 0.06%). This variant has not been reported in the literature in individuals affected with RTTN-related conditions. ClinVar contains an entry for this variant (Variation ID: 1429275). Invitae Evidence Modeling of protein sequence and biophysical properties (such as structural, functional, and spatial information, amino acid conservation, physicochemical variation, residue mobility, and thermodynamic stability) has been performed for this missense variant. However, the output from this modeling did not meet the statistical confidence thresholds required to predict the impact of this variant on RTTN protein function. In summary, the available evidence is currently insufficient to determine the role of this variant in disease. Therefore, it has been classified as a Variant of Uncertain Significance.

Ambry Genetics
Classification: Uncertain significance for Inborn genetic diseases. Last evaluated: 2024-12-07. Review status: criteria provided, single submitter. Criteria: Ambry Variant Classification Scheme 2023. Collection method: clinical testing. Allele origin: germline.